The following is an entry in ClinVar:

ClinVar aggregate classification (germline): Pathogenic (1 of 4 stars; one submission).

Conditions:
Neuropathy, hereditary sensory, type 2C. Also called: Hereditary sensory and autonomic neuropathy type IIC; KIF1A-Related HSAN2 (HSAN2C). Identifiers: Orphanet 970, MedGen C3280168, MONDO:0013634, OMIM 614213.
Intellectual disability, autosomal dominant 9 (NESCAVS). Also called: NESCAV SYNDROME; KIF1A-Related Neurodevelopmental Disorder. Identifiers: Orphanet 662367, MedGen C5393830, MONDO:0013656, OMIM 614255.
Hereditary spastic paraplegia 30. Identifiers: Orphanet 101010, MedGen C5235139, MONDO:0012476.

Submission:

Labcorp Genetics (formerly Invitae), Labcorp
Classification: Pathogenic for Hereditary spastic paraplegia 30; Neuropathy, hereditary sensory, type 2C; Intellectual disability, autosomal dominant 9. Last evaluated: 2024-03-07. Review status: criteria provided, single submitter. Criteria: Invitae Variant Classification Sherloc (09022015). Collection method: clinical testing. Allele origin: germline.
Comment: This sequence change creates a premature translational stop signal (p.Cys926Leufs*51) in the KIF1A gene. It is expected to result in an absent or disrupted protein product. Loss-of-function variants in KIF1A are known to be pathogenic (PMID: 21820098). This variant is not present in population databases (gnomAD no frequency). This variant has not been reported in the literature in individuals affected with KIF1A-related conditions. ClinVar contains an entry for this variant (Variation ID: 2105634). For these reasons, this variant has been classified as Pathogenic.

Literature cited by the submitters: PubMed 21820098.

NM_001244008.2(KIF1A):c.3074_3075dup (p.Cys1027fs)

Gene: KIF1A (kinesin family member 1A; minus strand). Cytogenetic location: 2q37.3.
Variant type: Duplication.
Coding change: c.3074_3075dup on transcript NM_001244008.2 (MANE Select); coding-DNA positions 3074 to 3075, 2 bases duplicated (AG; older notation c.3074_3075dupAG).
Protein change: p.Cys1027fs; shifts the reading frame from cysteine 1027.
Molecular consequence: frameshift variant.
Genome position (GRCh38, 1-based): chr2:240,746,166-240,746,167, CT duplicated on the plus strand (AG on the coding strand, the reverse complement: KIF1A is on the minus strand); duplicating any 2 consecutive bases within chr2:240,746,166-240,746,168 gives the same sequence; the c. name uses the placement nearest the transcript's 3' end. VCF-style (leftmost placement, unchanged base first): chr2-240746165-A-ACT. GRCh37 (hg19) VCF-style: chr2-241685582-A-ACT.
Other names: c.2798_2799dup, p.Cys935fs (NM_001320705.2, NM_001330289.2, NM_001379638.1); c.2873_2874dup, p.Cys960fs (NM_001330290.2, NM_001379634.1, NM_001379635.1 and 1 more transcripts); c.3149_3150dup, p.Cys1052fs (NM_001379631.1); c.3023_3024dup, p.Cys1010fs (NM_001379632.1); c.3047_3048dup, p.Cys1018fs (NM_001379633.1, NM_001379642.1, NM_001379645.1); c.2771_2772dup, p.Cys926fs (NM_001379636.1, NM_001379639.1, NM_001379640.1 and 6 more transcripts); c.2846_2847dup, p.Cys951fs (NM_001379637.1, NM_001379648.1); c.2770_2771dup, p.Cys926Leufs (NM_001379654.1); short protein forms C1018fs, C1052fs, C1027fs, C926fs, C935fs, C951fs, C960fs, C1010fs.
Identifiers: ClinVar variation 2105634 (VCV002105634.4), dbSNP rs2537300033, ClinGen allele CA2580068107.